The following is an entry in ClinVar:

ClinVar aggregate classification (germline): Pathogenic. Review status: criteria provided, multiple submitters, no conflicts (2 of 4 stars). 4 submissions from 4 submitters: Pathogenic (4). Last evaluated 2026-05-19.

Conditions:
KIAA0586-related disorder. Also called: KIAA0586-related condition; KIAA0586- Related disorders.
Joubert syndrome 23 (JBTS23). Identifiers: Orphanet 475, MedGen C4084822, MONDO:0014664, OMIM 616490.

Submissions (4):

PreventionGenetics, part of Exact Sciences
Classification: Pathogenic for KIAA0586-related condition. Last evaluated: 2026-05-19. Review status: criteria provided, single submitter. Criteria: ACMG Guidelines, 2015. Collection method: clinical testing. Allele origin: germline.
Comment: The KIAA0586 c.802C>T variant is predicted to result in premature protein termination (p.Gln268*). This variant has been reported in the compound heterozygous state in an individual with Joubert syndrome (Bachmann-Gagescu et al. 2015. PubMed ID: 26096313; Reported as c.598C>T p.Gln200* in Akawi et al. 2015. PubMed ID: 26437029). This variant has not been reported in a large population database (gnomAD), indicating this variant is rare. Nonsense variants in KIAA0586 are expected to be pathogenic. This variant is interpreted as pathogenic.

GeneDx
Classification: Pathogenic. Last evaluated: 2024-09-06. Review status: criteria provided, single submitter. Criteria: GeneDx Variant Classification Process June 2021. Collection method: clinical testing. Allele origin: germline. Affected: yes.
Comment: Nonsense variant predicted to result in protein truncation or nonsense mediated decay in a gene for which loss of function is a known mechanism of disease; Not observed at significant frequency in large population cohorts (gnomAD); This variant is associated with the following publications: (PMID: 26096313, 26437029)

Revvity Omics, Revvity
Classification: Pathogenic. Last evaluated: 2021-04-17. Review status: criteria provided, single submitter. Criteria: ACMG Guidelines, 2015. Collection method: clinical testing. Allele origin: germline.

UW Hindbrain Malformation Research Program, University of Washington
Classification: Pathogenic for Joubert syndrome 23. Last evaluated: 2015-09-01. Review status: criteria provided, single submitter. Criteria: Submitter's publication. Collection method: research. Allele origin: unknown. Affected: yes.

NM_001329943.3(KIAA0586):c.643C>T (p.Gln215Ter)

Gene: KIAA0586 (KIAA0586; plus strand). Cytogenetic location: 14q23.1.
Variant type: single nucleotide variant.
Coding change: c.643C>T on transcript NM_001329943.3 (MANE Select); coding-DNA position 643, C replaced by T.
Protein change: p.Gln215Ter; replaces glutamine 215 with a stop codon.
Molecular consequence: nonsense.
Genome position (GRCh38, 1-based): chr14:58,444,011, C>T. VCF-style: chr14-58444011-C-T. GRCh37 (hg19) VCF-style: chr14-58910729-C-T.
Other names: c.802C>T, p.Gln268Ter (NM_001244189.2); c.598C>T, p.Gln200Ter (NM_001244190.2); c.388C>T, p.Gln130Ter (NM_001244191.2, NM_001329945.2, NM_001364700.1 and 1 more transcripts); c.511C>T, p.Gln171Ter (NM_001244192.2); c.223C>T, p.Gln75Ter (NM_001244193.2); c.643C>T, p.Gln215Ter (NM_001329944.2, NM_001329946.2, NM_001329947.2 and 1 more transcripts); short protein forms Q268*, Q215*, Q200*, Q75*, Q130*, Q171*.
Identifiers: ClinVar variation 217669 (VCV000217669.7), dbSNP rs201097695, ClinGen allele CA210316.
Genomic context (GRCh38, chr14:58,444,011, plus strand): 5'-TAGGTGCAGAGTGATTTGGAAGCAAAAGTCAATTCTGTTACAGAATTACTTAGTAAATTA[C>T]AGGAGACTGATAAACACCTGCAACGTGTTACAGAGCAGCAAACAAGCATTCAGAGGAAAC-3'